The following is an entry in ClinVar:

NM_001035.3(RYR2):c.7748C>T (p.Ser2583Phe)

Gene: RYR2 (ryanodine receptor 2; plus strand). Cytogenetic location: 1q43.
Variant type: single nucleotide variant.
Coding change: c.7748C>T on transcript NM_001035.3 (MANE Select); coding-DNA position 7748, C replaced by T.
Protein change: p.Ser2583Phe; replaces serine 2583 with phenylalanine.
Molecular consequence: missense variant.
Genome position (GRCh38, 1-based): chr1:237,651,425, C>T. VCF-style: chr1-237651425-C-T. GRCh37 (hg19) VCF-style: chr1-237814725-C-T.
Other names: short protein forms S2583F.
Identifiers: ClinVar variation 1760422 (VCV001760422.4), dbSNP rs1426658193, ClinGen allele CA345399530.

ClinVar aggregate classification (germline): Uncertain significance. Review status: criteria provided, multiple submitters, no conflicts (2 of 4 stars). 2 submissions from 2 submitters: Uncertain significance (2). Last evaluated 2025-02-28.

Conditions:
Catecholaminergic polymorphic ventricular tachycardia 1. Also called: VENTRICULAR TACHYCARDIA, CATECHOLAMINERGIC POLYMORPHIC, 1, WITH OR WITHOUT ATRIAL DYSFUNCTION AND/OR DILATED CARDIOMYOPATHY; VENTRICULAR TACHYCARDIA, STRESS-INDUCED POLYMORPHIC 1; RYR2-Related Catecholaminergic Polymorphic Ventricular Tachycardia. Identifiers: Orphanet 3286, MedGen C1631597, MONDO:0011484, OMIM 604772.
Cardiovascular phenotype. Identifiers: MedGen CN230736.

Allele frequency attached by ClinVar (database versions not stated): gnomAD 0.00001; TOPMed 0.00001.
gnomAD v4.1: 2 of 1,594,756 alleles (0.00013%); highest among the groups gnomAD compares: African/African-American, 0.0027%; no homozygotes.

Submissions (2):

Labcorp Genetics (formerly Invitae), Labcorp
Classification: Uncertain significance for Catecholaminergic polymorphic ventricular tachycardia 1. Last evaluated: 2025-02-28. Review status: criteria provided, single submitter. Criteria: Invitae Variant Classification Sherloc (09022015). Collection method: clinical testing. Allele origin: germline.
Comment: This sequence change replaces serine, which is neutral and polar, with phenylalanine, which is neutral and non-polar, at codon 2583 of the RYR2 protein (p.Ser2583Phe). The frequency data for this variant in the population databases is considered unreliable, as metrics indicate poor data quality at this position in the gnomAD database. This variant has not been reported in the literature in individuals affected with RYR2-related conditions. ClinVar contains an entry for this variant (Variation ID: 1760422). Invitae Evidence Modeling of protein sequence and biophysical properties (such as structural, functional, and spatial information, amino acid conservation, physicochemical variation, residue mobility, and thermodynamic stability) indicates that this missense variant is expected to disrupt RYR2 protein function with a positive predictive value of 95%. In summary, the available evidence is currently insufficient to determine the role of this variant in disease. Therefore, it has been classified as a Variant of Uncertain Significance.

Ambry Genetics
Classification: Uncertain significance for Cardiovascular phenotype. Last evaluated: 2022-05-31. Review status: criteria provided, single submitter. Criteria: Ambry Variant Classification Scheme 2023. Collection method: clinical testing. Allele origin: germline.
Comment: The p.S2583F variant (also known as c.7748C>T), located in coding exon 51 of the RYR2 gene, results from a C to T substitution at nucleotide position 7748. The serine at codon 2583 is replaced by phenylalanine, an amino acid with highly dissimilar properties. This amino acid position is highly conserved in available vertebrate species. In addition, this alteration is predicted to be deleterious by in silico analysis. Since supporting evidence is limited at this time, the clinical significance of this alteration remains unclear.